The following is an entry in ClinVar:

ClinVar aggregate classification (germline): Uncertain significance (1 of 4 stars; one submission).

Conditions:
Developmental and epileptic encephalopathy, 2 (DEE2). Also called: INFANTILE SPASM SYNDROME, X-LINKED 2; CDKL5 deficiency disorder. Identifiers: Orphanet 1934, Orphanet 3451, Orphanet 505652, MedGen C4750718, MONDO:0010396, OMIM 300672.

Submission:

Victorian Clinical Genetics Services, Murdoch Childrens Research Institute
Classification: Uncertain significance for Developmental and epileptic encephalopathy, 2. Last evaluated: 2024-10-10. Review status: criteria provided, single submitter. Criteria: ACMG Guidelines, 2015. Collection method: clinical testing. Allele origin: germline. Inheritance: Autosomal dominant inheritance. Affected: yes.
Comment: Based on the classification scheme VCGS_Germline_v1.3.5, this variant is classified as VUS-3A. Following criteria are met: 0102 - Loss of function is a known mechanism of disease in this gene and is associated with developmental and epileptic encephalopathy 2 (MIM#300672). (I) 0110 - This gene is associated with X-linked dominant disease. (I) 0115 - Variants in this gene are known to have variable expressivity. Variable expressivity is reported to be dependent on the variant type and position, X-chromosome inactivation in females or post-zygotic mosaicism in males (PMID: 33989939). (I) 0200 - Variant is predicted to result in a missense amino acid change from proline to arginine. (I) 0251 - This variant is heterozygous. (I) 0301 - Variant is absent from gnomAD (v2, v3 and v4). (SP) 0501 - Missense variant consistently predicted to be damaging by multiple in silico tools or highly conserved with a major amino acid change. (SP) 0603 - Missense variant in a region that is highly intolerant to missense variation (high constraint region in DECIPHER). (SP) 0705 - No comparable missense variants have previous evidence for pathogenicity. (I) 0807 - This variant has no previous evidence of pathogenicity. (I) 0905 - No published segregation evidence has been identified for this variant. (I) 1007 - No published functional evidence has been identified for this variant. (SP) Legend: (SP) - Supporting pathogenic, (I) - Information, (SB) - Supporting benign

Literature cited by the submitters: PubMed 33989939.

NM_001323289.2(CDKL5):c.2120C>G (p.Pro707Arg)

Gene: CDKL5 (cyclin dependent kinase like 5; plus strand). Cytogenetic location: Xp22.13.
Variant type: single nucleotide variant.
Coding change: c.2120C>G on transcript NM_001323289.2 (MANE Select); coding-DNA position 2120, C replaced by G.
Protein change: p.Pro707Arg; replaces proline 707 with arginine.
Molecular consequence: missense variant.
Genome position (GRCh38, 1-based): chrX:18,609,538, C>G. VCF-style: chrX-18609538-C-G. GRCh37 (hg19) VCF-style: chrX-18627658-C-G.
Other names: c.2120C>G, p.Pro707Arg (NM_001037343.2, NM_003159.3); short protein forms P707R.
Identifiers: ClinVar variation 3377329 (VCV003377329.1).